The following is an entry in ClinVar:

ClinVar aggregate classification (germline): Uncertain significance (1 of 4 stars; one submission).

Conditions:
Dilated cardiomyopathy 1J (CMD1J). Also called: CARDIOMYOPATHY, DILATED, WITH SENSORINEURAL HEARING LOSS, AUTOSOMAL DOMINANT. Identifiers: Orphanet 217622, MedGen C1854368, MONDO:0011541, OMIM 605362.

Submission:

Labcorp Genetics (formerly Invitae), Labcorp
Classification: Uncertain significance for Dilated cardiomyopathy 1J. Last evaluated: 2023-07-28. Review status: criteria provided, single submitter. Criteria: Invitae Variant Classification Sherloc (09022015). Collection method: clinical testing. Allele origin: germline.
Comment: This sequence change replaces methionine, which is neutral and non-polar, with lysine, which is basic and polar, at codon 73 of the EYA4 protein (p.Met73Lys). This variant is not present in population databases (gnomAD no frequency). This variant has not been reported in the literature in individuals affected with EYA4-related conditions. An algorithm developed to predict the effect of missense changes on protein structure and function (PolyPhen-2) suggests that this variant is likely to be tolerated. In summary, the available evidence is currently insufficient to determine the role of this variant in disease. Therefore, it has been classified as a Variant of Uncertain Significance.

NM_004100.5(EYA4):c.218T>A (p.Met73Lys)

Gene: EYA4 (EYA transcriptional coactivator and phosphatase 4; plus strand). Cytogenetic location: 6q23.2.
Variant type: single nucleotide variant.
Coding change: c.218T>A on transcript NM_004100.5 (MANE Select); coding-DNA position 218, T replaced by A.
Protein change: p.Met73Lys; replaces methionine 73 with lysine.
Molecular consequence: missense variant. On other transcripts: intron variant (4).
Genome position (GRCh38, 1-based): chr6:133,448,120, T>A. VCF-style: chr6-133448120-T-A. GRCh37 (hg19) VCF-style: chr6-133769258-T-A.
Other names: c.218T>A, p.Met73Lys (NM_001301013.2, NM_172105.4); c.208+1366T>A (NM_001370458.1, NM_172103.4, NM_001370459.1 and 1 more transcripts); short protein forms M73K.
Identifiers: ClinVar variation 2747624 (VCV002747624.3), dbSNP rs2534357685, ClinGen allele CA365838196.